The following is an entry in ClinVar:

ClinVar aggregate classification (germline): Uncertain significance (1 of 4 stars; one submission).

Conditions:
Inborn genetic diseases. Identifiers: MedGen C0950123, MeSH D030342.

gnomAD v4.1: 1 of 1,614,222 alleles (0.000062%); highest among the groups gnomAD compares: Non-Finnish European, 0.000085%; no homozygotes.

Submission:

Ambry Genetics
Classification: Uncertain significance for Inborn genetic diseases. Last evaluated: 2026-09-09. Review status: criteria provided, single submitter. Criteria: Ambry Variant Classification Scheme 2023. Collection method: clinical testing. Allele origin: germline.
Comment: The c.2186G>T (p.R729L) alteration is located in exon 14 (coding exon 11) of the WHSC1 gene. This alteration results from a G to T substitution at nucleotide position 2186, causing the arginine (R) at amino acid position 729 to be replaced by a leucine (L). This variant was not reported in population-based cohorts in the Genome Aggregation Database (gnomAD). This amino acid position is highly conserved in available vertebrate species. This alteration is predicted to be deleterious by in silico analysis. Based on insufficient or conflicting evidence, the clinical significance of this alteration remains unclear.

NM_001042424.3(NSD2):c.2186G>T (p.Arg729Leu)

Gene: NSD2 (nuclear receptor binding SET domain protein 2; plus strand). Cytogenetic location: 4p16.3.
Variant type: single nucleotide variant.
Coding change: c.2186G>T on transcript NM_001042424.3 (MANE Select); coding-DNA position 2186, G replaced by T.
Protein change: p.Arg729Leu; replaces arginine 729 with leucine.
Molecular consequence: missense variant. On other transcripts: intron variant (1).
Genome position (GRCh38, 1-based): chr4:1,953,372, G>T. VCF-style: chr4-1953372-G-T. GRCh37 (hg19) VCF-style: chr4-1955099-G-T.
Other names: c.2186G>T, p.Arg729Leu (NM_001440892.1, NM_001440894.1, NM_001440895.1 and 3 more transcripts); c.2285G>T, p.Arg762Leu (NM_001440893.1); c.1979G>T, p.Arg660Leu (NM_001440897.1, NM_001440898.1); c.1217G>T, p.Arg406Leu (NM_001440899.1, NM_001440900.1); c.2137+1141G>T (NM_001440896.1); short protein forms R660L, R406L, R729L, R762L.
Identifiers: ClinVar variation 4839465 (VCV004839465.2).